The following is an entry in ClinVar:

ClinVar aggregate classification (germline): Likely benign. Review status: criteria provided, multiple submitters, no conflicts (2 of 4 stars). 9 submissions from 8 submitters: Likely benign (9). Last evaluated 2026-05-01.

Conditions:
Inborn genetic diseases. Identifiers: MedGen C0950123, MeSH D030342.
Usher syndrome type 2A. Also called: USHER SYNDROME, TYPE IIA; RETINAL DISEASE IN USHER SYNDROME TYPE IIA, MODIFIER OF. Identifiers: Orphanet 231178, Orphanet 886, MedGen C1848634, MONDO:0010169, OMIM 276901.
Retinitis pigmentosa 39 (RP39). Identifiers: Orphanet 791, MedGen C3151138, MONDO:0013436, OMIM 613809.

Allele frequency attached by ClinVar (database versions not stated): gnomAD exomes 0.00046; ExAC 0.00022; gnomAD 0.00023 and 0.00024; TOPMed 0.00037.
gnomAD v4.1: 168 of 1,612,542 alleles (0.01%); highest among the groups gnomAD compares: Admixed American, 0.25%; no homozygotes.

Submissions (9):

CeGaT Center for Human Genetics Tuebingen
Classification: Likely benign. Last evaluated: 2026-05-01. Review status: criteria provided, single submitter. Criteria: CeGaT Center For Human Genetics Tuebingen Variant Classification Criteria Version 2. Collection method: clinical testing. Allele origin: germline. Affected: yes. Observed: 1 variant allele.
Comment: USH2A: BP4, BP7

Labcorp Genetics (formerly Invitae), Labcorp
Classification: Likely benign. Last evaluated: 2026-01-28. Review status: criteria provided, single submitter. Criteria: Invitae Variant Classification Sherloc (09022015). Collection method: clinical testing. Allele origin: germline.

Ambry Genetics
Classification: Likely benign for Inborn genetic diseases. Last evaluated: 2024-12-02. Review status: criteria provided, single submitter. Criteria: Ambry Variant Classification Scheme 2023. Collection method: clinical testing. Allele origin: germline.

Blueprint Genetics
Classification: Likely benign. Last evaluated: 2024-10-24. Review status: criteria provided, single submitter. Criteria: ACMG Guidelines, 2015. Collection method: clinical testing. Allele origin: germline.

Genome-Nilou Lab
Classification: Likely benign for Retinitis pigmentosa 39. Last evaluated: 2023-11-04. Review status: criteria provided, single submitter. Criteria: ACMG Guidelines, 2015. Collection method: clinical testing. Allele origin: germline. Affected: no.

Genome-Nilou Lab
Classification: Likely benign for Usher syndrome type 2A. Last evaluated: 2023-11-04. Review status: criteria provided, single submitter. Criteria: ACMG Guidelines, 2015. Collection method: clinical testing. Allele origin: germline. Affected: no.

GeneDx
Classification: Likely benign. Last evaluated: 2020-10-16. Review status: criteria provided, single submitter. Criteria: GeneDx Variant Classification Process June 2021. Collection method: clinical testing. Allele origin: germline. Affected: yes.

ARUP Laboratories, Molecular Genetics and Genomics, ARUP Laboratories
Classification: Likely benign. Last evaluated: 2020-07-09. Review status: criteria provided, single submitter. Criteria: ARUP Molecular Germline Variant Investigation Process. Collection method: clinical testing. Allele origin: germline.

Laboratory for Molecular Medicine, Mass General Brigham Personalized Medicine
Classification: Likely benign. Last evaluated: 2015-06-18. Review status: criteria provided, single submitter. Criteria: LMM Criteria. Collection method: clinical testing. Allele origin: germline. Observed: 5 variant alleles.
Comment: p.Thr1445Thr in exon 20 of USH2A: This variant is not expected to have clinical significance because it does not alter an amino acid residue and is not located near a splice junction. It has been identified in 25/11394 European chromosomes by the Exome Aggregation Consortium Sequencing Project (ExAC; rs397518016).

NM_206933.4(USH2A):c.4335T>C (p.Thr1445=)

Gene: USH2A (usherin; minus strand). Cytogenetic location: 1q41.
Variant type: single nucleotide variant.
Coding change: c.4335T>C on transcript NM_206933.4 (MANE Select); coding-DNA position 4335, T replaced by C.
Protein change: p.Thr1445=; no amino-acid change (threonine 1445 retained).
Molecular consequence: synonymous variant.
Genome position (GRCh38, 1-based): chr1:216,190,284, A>G on the plus strand (T>C on the coding strand, the complement: USH2A is on the minus strand). VCF-style: chr1-216190284-A-G. GRCh37 (hg19) VCF-style: chr1-216363626-A-G.
Other names: c.4335T>C, p.Thr1445= (NM_007123.6).
Identifiers: ClinVar variation 48513 (VCV000048513.31), dbSNP rs397518016, ClinGen allele CA143478.
Genomic context (GRCh38, chr1:216,190,284, plus strand): 5'-TGCTGCTAAAGTTTGTCCTGCTCCCGAAGCACTGGTCACACAACCAACTGAATTGCAGAG[A>G]GTAATAGTAAACTCATATATCCTATAAGGTTTCAGTCCTTCTACAGTGTAAGATAGTTCT-3'
Protein context (NP_996816.3, residues 1435-1455): KPYRIYEFTI[Thr1445=]LCNSVGCVTS